The following is an entry in ClinVar:

NM_015570.4(AUTS2):c.2894G>T (p.Arg965Leu)

Gene: AUTS2 (activator of transcription and developmental regulator AUTS2; plus strand). Cytogenetic location: 7q11.22.
Variant type: single nucleotide variant.
Coding change: c.2894G>T on transcript NM_015570.4 (MANE Select); coding-DNA position 2894, G replaced by T.
Protein change: p.Arg965Leu; replaces arginine 965 with leucine.
Molecular consequence: missense variant.
Genome position (GRCh38, 1-based): chr7:70,790,110, G>T. VCF-style: chr7-70790110-G-T. GRCh37 (hg19) VCF-style: chr7-70255096-G-T.
Other names: c.2822G>T, p.Arg941Leu (NM_001127231.3); short protein forms R941L, R965L.
Identifiers: ClinVar variation 1704015 (VCV001704015.2), dbSNP rs565156541, ClinGen allele CA367665046.

ClinVar aggregate classification (germline): Uncertain significance (1 of 4 stars; one submission).

gnomAD v4.1: 2 of 1,596,626 alleles (0.00013%); highest among the groups gnomAD compares: Non-Finnish European, 0.00017%; no homozygotes.

Submission:

GeneDx
Classification: Uncertain significance. Last evaluated: 2022-03-02. Review status: criteria provided, single submitter. Criteria: GeneDx Variant Classification Process June 2021. Collection method: clinical testing. Allele origin: germline. Affected: yes.
Comment: Not observed at significant frequency in large population cohorts (gnomAD); In silico analysis supports that this missense variant has a deleterious effect on protein structure/function; Has not been previously published as pathogenic or benign to our knowledge